The following is an entry in ClinVar:

NM_023110.3(FGFR1):c.1966_1968delinsGAC (p.Lys656Asp)

Gene: FGFR1 (fibroblast growth factor receptor 1; minus strand). Cytogenetic location: 8p11.23.
Variant type: Indel.
Coding change: c.1966_1968delinsGAC on transcript NM_023110.3 (MANE Select); coding-DNA positions 1966 to 1968, AAG replaced by GAC.
Protein change: p.Lys656Asp; replaces lysine 656 with aspartic acid.
Molecular consequence: missense variant.
Genome position (GRCh38, 1-based): chr8:38,414,788-38,414,790, CTT replaced by GTC on the plus strand (AAG replaced by GAC on the coding strand, the reverse complement: FGFR1 is on the minus strand). VCF-style: chr8-38414788-CTT-GTC. GRCh37 (hg19) VCF-style: chr8-38272306-CTT-GTC.
Other names: c.1960_1962delinsGAC, p.Lys654Asp (NM_001174063.2, NM_001174065.2, NM_001354367.2 and 1 more transcripts); c.1936_1938delinsGAC, p.Lys646Asp (NM_001174064.2); c.1699_1701delinsGAC, p.Lys567Asp (NM_001174066.2, NM_023105.3); c.2059_2061delinsGAC, p.Lys687Asp (NM_001174067.2); c.1687_1689delinsGAC, p.Lys563Asp (NM_001354368.2); c.1954_1956delinsGAC, p.Lys652Asp (NM_001354369.2, NM_001410922.1); c.1693_1695delinsGAC, p.Lys565Asp (NM_001354370.2, NM_023106.3); short protein forms K563D, K565D, K567D, K646D, K652D, K654D, K656D, K687D.
Identifiers: ClinVar variation 4530555 (VCV004530555.1).

ClinVar aggregate classification (somatic clinical impact): Tier I - Strong. Review status: criteria provided, single submitter (1 of 4 stars). 2 submissions from 1 submitter. Last evaluated 2025-03-26.

Conditions:
Pilocytic astrocytoma. Also called: Pilocytic astrocytoma, somatic. Identifiers: Orphanet 251612, MedGen C0334583, MONDO:0016691, HP:0033680.
Rosette-forming glioneuronal tumor. Identifiers: Orphanet 251975, MedGen C4331262, MONDO:0016736, HP:0025171.

Submissions (2):

Institute for Genomic Medicine (IGM) Clinical Laboratory, Nationwide Children's Hospital
Classification: Tier I - Strong for Rosette-forming glioneuronal tumor. Assertion type: diagnostic. Clinical significance: supports diagnosis. Last evaluated: 2025-03-26. Review status: criteria provided, single submitter. Criteria: AMP/ASCO/CAP Guidelines, 2017. Collection method: clinical testing. Allele origin: somatic. Affected: yes.
Comment: Variant has Tier I (strong) clinical significance as a diagnostic inclusion criterion in rosette-forming glioneuronal tumor of fourth ventricule, based on the following evidence: 1) Appears in one or more well-established professional guidelines (e.g., World Health Organization [WHO]; National Comprehensive Cancer Network [NCCN]) as providing diagnostic, prognostic, or therapeutic information. 2) Information in the literature supports potential biologic effect of variant. 3) Diagnostic for a specific tumor type/classification according to professional guidelines (Evidence Level A; PMIDs: 31250151, 32859279, 35293634, 24806303, 27893178, 27626068, 28912153).

Institute for Genomic Medicine (IGM) Clinical Laboratory, Nationwide Children's Hospital
Classification: Tier I - Strong for Pilocytic astrocytoma. Assertion type: diagnostic. Clinical significance: supports diagnosis. Last evaluated: 2024-10-02. Review status: criteria provided, single submitter. Criteria: AMP/ASCO/CAP Guidelines, 2017. Collection method: clinical testing. Allele origin: somatic. Affected: yes.
Comment: Variant has Tier I (strong) clinical significance as a diagnostic inclusion criterion in pilocytic astrocytoma, based on the following evidence: 1) Appears in one or more well-established professional guidelines (e.g., World Health Organization [WHO]; National Comprehensive Cancer Network [NCCN]) as providing diagnostic, prognostic, or therapeutic information. 2) Diagnostic for a specific tumor type/classification according to professional guidelines (Evidence Level A; PMIDs: 23583981, 23817572, 27577993, 27701736, 32059187, 33352931, 35018490, 31729570).

Literature cited by the submitters: PubMed 31250151; PubMed 32859279; PubMed 35293634; PubMed 24806303; PubMed 27893178; PubMed 27626068; PubMed 28912153; PubMed 23583981; PubMed 23817572; PubMed 27577993; PubMed 27701736; PubMed 32059187; PubMed 33352931; PubMed 35018490; PubMed 31729570.